The following is an entry in ClinVar:

ClinVar aggregate classification (germline): Pathogenic (1 of 4 stars; one submission).

Conditions:
Hereditary cancer-predisposing syndrome. Also called: Tumor predisposition; Neoplastic Syndromes, Hereditary; Hereditary Cancer Syndrome; Hereditary neoplastic syndrome. Identifiers: Orphanet 140162, MedGen C0027672, MeSH D009386, MONDO:0015356.

Submission:

Color Diagnostics, LLC DBA Color Health
Classification: Pathogenic for Hereditary cancer-predisposing syndrome. Last evaluated: 2021-03-05. Review status: criteria provided, single submitter. Criteria: ACMG Guidelines, 2015. Collection method: clinical testing. Allele origin: germline.
Comment: This variant inserts 2 nucleotides in exon 49 of the ATM gene, creating a frameshift and premature translation stop signal. This variant is expected to result in an absent or non-functional protein product. To our knowledge, this variant has not been reported in individuals affected with hereditary cancer in the literature. This variant has not been identified in the general population by the Genome Aggregation Database (gnomAD). Loss of ATM function is a known mechanism of disease. Based on the available evidence, this variant is classified as Pathogenic.

NM_000051.4(ATM):c.7282_7283insAA (p.Arg2428fs)

Genes: ATM (ATM serine/threonine kinase; plus strand), C11orf65 (chromosome 11 open reading frame 65; minus strand). Cytogenetic location: 11q22.3.
Variant type: Insertion.
Coding change: c.7282_7283insAA on transcript NM_000051.4 (MANE Select); coding-DNA positions 7282 to 7283, AA inserted.
Protein change: p.Arg2428fs; shifts the reading frame from arginine 2428.
Molecular consequence: frameshift variant. On other transcripts: intron variant (2).
Genome position: GRCh38 VCF-style: chr11-108329212-T-TAA. GRCh37 (hg19) VCF-style: chr11-108199939-T-TAA.
Other names: c.7282_7283insAA, p.Arg2428fs (NM_001351834.2); c.641-20142_641-20141insTT (NM_001330368.2); c.*38+6007_*38+6008insTT (NM_001351110.2); short protein forms R2428fs.
Identifiers: ClinVar variation 1331872 (VCV001331872.4), dbSNP rs2136422828, ClinGen allele CA2573053412.